The following is an entry in ClinVar:

NC_000007.13:g.(?_117120078)_(117308720_?)dup

Gene: CFTR (CF transmembrane conductance regulator; plus strand). Cytogenetic location: 7q31.2.
Variant type: Duplication.
Identifiers: ClinVar variation 3068885 (VCV003068885.4).

ClinVar aggregate classification (germline): Uncertain significance (1 of 4 stars; one submission).

Submission:

Women's Health and Genetics/Laboratory Corporation of America, LabCorp
Classification: Uncertain significance. Last evaluated: 2026-03-11. Review status: criteria provided, single submitter. Criteria: LabCorp Variant Classification Summary - May 2015. Collection method: clinical testing. Allele origin: germline.
Comment: Variant summary: The variant involves the duplication of exons 1-27 in the CFTR gene. A presumed nomenclature of c.(?_-71)_(*1558_?)dup has been designated for the purposes of this classification. This duplication includes the entire coding sequence of the gene. As exact breakpoints are unknown, it may extend beyond the annotated region of the gene, to include other flanking genes. The variant was absent in 21694 control chromosomes. The available data on variant occurrences in the general population are insufficient to allow any conclusion about variant significance. c.(?_-71)_(*1558_?)dup has been observed in a healthy individual carrying p.Arg74Trp and p.Val866Ile on the same allele (Diana_2024). This report does not provide unequivocal conclusions about association of the variant with Cystic Fibrosis. To our knowledge, no experimental evidence demonstrating an impact on protein function has been reported. The following publication has been ascertained in the context of this evaluation (PMID: 38320874). ClinVar contains an entry for this variant (Variation ID: 1060935). Based on the evidence outlined above, the variant was classified as uncertain significance.

Literature cited by the submitters: PubMed 38320874.